The following is an entry in ClinVar:

ClinVar aggregate classification (germline): Uncertain significance. Review status: criteria provided, multiple submitters, no conflicts (2 of 4 stars). 2 submissions from 2 submitters: Uncertain significance (2). Last evaluated 2025-08-14.

Allele frequency attached by ClinVar (database versions not stated): gnomAD 0.00001; gnomAD exomes 0.00001; ExAC 0.00002; TOPMed 0.00002; ESP Exome Variant Server 0.00008.
gnomAD v4.1: 16 of 1,614,060 alleles (0.00099%); highest among the groups gnomAD compares: Middle Eastern, 0.016%; no homozygotes.

Submissions (2):

Ambry Genetics
Classification: Uncertain significance. Last evaluated: 2025-08-14. Review status: criteria provided, single submitter. Criteria: Ambry Variant Classification Scheme 2023. Collection method: clinical testing. Allele origin: germline.

Labcorp Genetics (formerly Invitae), Labcorp
Classification: Uncertain significance. Last evaluated: 2024-01-11. Review status: criteria provided, single submitter. Criteria: Invitae Variant Classification Sherloc (09022015). Collection method: clinical testing. Allele origin: germline.
Comment: This sequence change replaces leucine, which is neutral and non-polar, with phenylalanine, which is neutral and non-polar, at codon 331 of the FAT2 protein (p.Leu331Phe). This variant is present in population databases (rs372395459, gnomAD 0.003%). This variant has not been reported in the literature in individuals affected with FAT2-related conditions. An algorithm developed to predict the effect of missense changes on protein structure and function (PolyPhen-2) suggests that this variant is likely to be disruptive. In summary, the available evidence is currently insufficient to determine the role of this variant in disease. Therefore, it has been classified as a Variant of Uncertain Significance.

NM_001447.3(FAT2):c.991C>T (p.Leu331Phe)

Gene: FAT2 (FAT atypical cadherin 2; minus strand). Cytogenetic location: 5q33.1.
Variant type: single nucleotide variant.
Coding change: c.991C>T on transcript NM_001447.3 (MANE Select); coding-DNA position 991, C replaced by T.
Protein change: p.Leu331Phe; replaces leucine 331 with phenylalanine.
Molecular consequence: missense variant.
Genome position (GRCh38, 1-based): chr5:151,567,941, G>A on the plus strand (C>T on the coding strand, the complement: FAT2 is on the minus strand). VCF-style: chr5-151567941-G-A. GRCh37 (hg19) VCF-style: chr5-150947502-G-A.
Other names: c.991C>T (NM_001447.2); short protein forms L331F.
Identifiers: ClinVar variation 3020099 (VCV003020099.4), dbSNP rs372395459, ClinGen allele CA3522337.